The following is an entry in ClinVar:

NM_004764.5(PIWIL1):c.2061T>C (p.Asn687=)

Gene: PIWIL1 (piwi like RNA-mediated gene silencing 1; plus strand). Cytogenetic location: 12q24.33.
Variant type: single nucleotide variant.
Coding change: c.2061T>C on transcript NM_004764.5 (MANE Select); coding-DNA position 2061, T replaced by C.
Protein change: p.Asn687=; no amino-acid change (asparagine 687 retained).
Molecular consequence: synonymous variant.
Genome position (GRCh38, 1-based): chr12:130,363,010, T>C. VCF-style: chr12-130363010-T-C. GRCh37 (hg19) VCF-style: chr12-130847555-T-C.
Other names: c.2061T>C, p.Asn687= (NM_001190971.2).
Identifiers: ClinVar variation 2643589 (VCV002643589.24), dbSNP rs768888963, ClinGen allele CA6877433.

ClinVar aggregate classification (germline): Likely benign (1 of 4 stars; one submission).

Allele frequency attached by ClinVar (database versions not stated): gnomAD exomes below 0.00001; TOPMed below 0.00001; gnomAD 0.00001; ExAC 0.00002.
gnomAD v4.1: 10 of 1,613,978 alleles (0.00062%); highest among the groups gnomAD compares: South Asian, 0.0011%; no homozygotes.

Submission:

CeGaT Center for Human Genetics Tuebingen
Classification: Likely benign. Last evaluated: 2022-05-01. Review status: criteria provided, single submitter. Criteria: CeGaT Center For Human Genetics Tuebingen Variant Classification Criteria Version 2. Collection method: clinical testing. Allele origin: germline. Affected: yes. Observed: 1 variant allele.
Comment: PIWIL1: BP4, BP7